The following is an entry in ClinVar:

NM_000256.3(MYBPC3):c.505G>A (p.Gly169Ser)

Gene: MYBPC3 (myosin binding protein C3; minus strand). Cytogenetic location: 11p11.2.
Variant type: single nucleotide variant.
Coding change: c.505G>A on transcript NM_000256.3 (MANE Select); coding-DNA position 505, G replaced by A.
Protein change: p.Gly169Ser; replaces glycine 169 with serine.
Molecular consequence: missense variant.
Genome position (GRCh38, 1-based): chr11:47,350,014, C>T on the plus strand (G>A on the coding strand, the complement: MYBPC3 is on the minus strand). VCF-style: chr11-47350014-C-T. GRCh37 (hg19) VCF-style: chr11-47371565-C-T.
Other names: c.505G>A, p.Gly169Ser (LRG_386t1); short protein forms G169S.
Identifiers: ClinVar variation 264628 (VCV000264628.16), dbSNP rs886039212, ClinGen allele CA10587732.

ClinVar aggregate classification (germline): Uncertain significance. Review status: criteria provided, multiple submitters, no conflicts (2 of 4 stars). 4 submissions from 4 submitters: Uncertain significance (4). Last evaluated 2026-01-26.

Conditions:
MYBPC3-related disorder. Also called: MYBPC3-related disorders; MYBPC3-related condition; MYBPC3-related disease.
Cardiovascular phenotype. Identifiers: MedGen CN230736.
Cardiomyopathy (CMYO). Also called: Cardiomyopathies. Identifiers: Orphanet 167848, MedGen C0878544, MONDO:0004994, HP:0001638. Inheritance: Various modes of inheritance.
Hypertrophic cardiomyopathy. Also called: HYPERTROPHIC MYOCARDIOPATHY. Identifiers: Orphanet 217569, MedGen C0007194, MeSH D002312, MONDO:0005045, HP:0001639.

Allele frequency attached by ClinVar (database versions not stated): gnomAD 0.00002; TOPMed 0.00002.
gnomAD v4.1: 3 of 1,560,544 alleles (0.00019%); highest among the groups gnomAD compares: African/African-American, 0.0041%; no homozygotes.

Submissions (4):

Ambry Genetics
Classification: Uncertain significance for Cardiovascular phenotype. Last evaluated: 2026-01-26. Review status: criteria provided, single submitter. Criteria: Ambry Variant Classification Scheme 2023. Collection method: clinical testing. Allele origin: germline.
Comment: The p.G169S variant (also known as c.505G>A), located in coding exon 4 of the MYBPC3 gene, results from a G to A substitution at nucleotide position 505. The amino acid change results in glycine to serine at codon 169, an amino acid with similar properties. However, this change occurs in the last base pair of coding exon 4, which makes it likely to have some effect on normal mRNA splicing. This variant was reported in individual(s) with features consistent with MYBPC3-related cardiomyopathy (Kanelidis AJ et al. JACC Case Rep, 2024 Mar;29:102236). This variant has been detected in an exome sequencing biobank-derived cohort; however, clinical detail were limited (Park J et al. Nat Med. 2021 01;27(1):66-72). In a minigene assay, this variant demonstrated some incomplete aberrant splicing (Suay-Corredera C et al. J Biol Chem. 2021 07;297(1):100854). This variant is considered to be rare based on population cohorts in the Genome Aggregation Database (gnomAD). This nucleotide position is highly conserved in available vertebrate species. This amino acid position is highly conserved in available vertebrate species. In silico splice site analysis predicts that this alteration will result in the creation or strengthening of a novel splice donor site. In addition, as a missense substitution this is predicted to be inconclusive by in silico analysis. Based on the available evidence, the clinical significance of this alteration remains unclear.

Labcorp Genetics (formerly Invitae), Labcorp
Classification: Uncertain significance for Hypertrophic cardiomyopathy. Last evaluated: 2025-09-27. Review status: criteria provided, single submitter. Criteria: Invitae Variant Classification Sherloc (09022015). Collection method: clinical testing. Allele origin: germline.
Comment: This sequence change replaces glycine, which is neutral and non-polar, with serine, which is neutral and polar, at codon 169 of the MYBPC3 protein (p.Gly169Ser). This variant also falls at the last nucleotide of exon 4, which is part of the consensus splice site for this exon. This variant is not present in population databases (gnomAD no frequency). This variant has not been reported in the literature in individuals affected with MYBPC3-related conditions. ClinVar contains an entry for this variant (Variation ID: 264628). An algorithm developed to predict the effect of missense changes on protein structure and function (PolyPhen-2) suggests that this variant is likely to be disruptive. Experimental studies have shown that this missense change affects MYBPC3 function (PMID: 34097875). Variants that disrupt the consensus splice site are a relatively common cause of aberrant splicing (PMID: 17576681, 9536098). Studies have shown that this missense change is associated with inconclusive levels of altered splicing (PMID: 34097875). In summary, the available evidence is currently insufficient to determine the role of this variant in disease. Therefore, it has been classified as a Variant of Uncertain Significance.

Color Diagnostics, LLC DBA Color Health
Classification: Uncertain significance for Cardiomyopathy. Last evaluated: 2025-06-11. Review status: criteria provided, single submitter. Criteria: ACMG Guidelines, 2015. Collection method: clinical testing. Allele origin: germline.
Comment: This missense variant replaces glycine with serine at codon 169 of the MYBPC3 protein. Computational prediction suggests that this variant may have a deleterious impact on protein structure and function. This variant causes a G>A nucleotide substitution at the last nucleotide of exon 4 of the MYBPC3 gene, and splice site prediction tools suggest that this variant may impact RNA splicing. To our knowledge, functional studies have not been reported for this variant. This variant has not been reported in individuals affected with MYBPC3-related disorders in the literature. This variant has not been identified in the general population by the Genome Aggregation Database (gnomAD). The available evidence is insufficient to determine the role of this variant in disease conclusively. Therefore, this variant is classified as a Variant of Uncertain Significance.

PreventionGenetics, part of Exact Sciences
Classification: Uncertain significance for MYBPC3-related condition. Last evaluated: 2025-03-24. Review status: criteria provided, single submitter. Criteria: ACMG Guidelines, 2015. Collection method: clinical testing. Allele origin: germline.
Comment: The MYBPC3 c.505G>A variant is predicted to result in the amino acid substitution p.Gly169Ser. This variant has been reported as a variant of uncertain significance in a study of MYBPC3 variants and functional studies showed that is caused a significant impact on splicing (Supplementary Materials, Suay-Corredera et al. 2021. PubMed ID: 34097875). This variant has been reported in an individual with HCM, however, the individual also carried a pathogenic mutation in TTR (Kanelidis et al. 2024. PubMed ID: 38549855). This variant is a missense change located at the last base of an exon. Alternate missense changes at the same amino acid (p.Gly169Asp, p.Gly169Val) have been reported in individuals with HCM (Bos et al. 2014. PubMed ID: 24793961; Sepp et al. 2022. PubMed ID: 35626289). This variant has not been reported in a large population database (gnomAD), indicating this variant is rare. Although we suspect that this variant may be pathogenic, at this time, the clinical significance of this variant is uncertain due to the absence of conclusive functional and genetic evidence.

Literature cited by the submitters: PubMed 33432171 (cited by Ambry Genetics); PubMed 34097875 (cited by Ambry Genetics and Labcorp Genetics (formerly Invitae), Labcorp); PubMed 38549855 (cited by Ambry Genetics); PubMed 17576681 (cited by Labcorp Genetics (formerly Invitae), Labcorp); PubMed 9536098 (cited by Labcorp Genetics (formerly Invitae), Labcorp).